The following is an entry in ClinVar:

NM_000264.5(PTCH1):c.3803C>T (p.Thr1268Ile)

Gene: PTCH1 (patched 1; minus strand). Cytogenetic location: 9q22.32.
Variant type: single nucleotide variant.
Coding change: c.3803C>T on transcript NM_000264.5 (MANE Select); coding-DNA position 3803, C replaced by T.
Protein change: p.Thr1268Ile; replaces threonine 1268 with isoleucine.
Molecular consequence: missense variant. On other transcripts: non-coding transcript variant (1).
Genome position (GRCh38, 1-based): chr9:95,449,070, G>A on the plus strand (C>T on the coding strand, the complement: PTCH1 is on the minus strand). VCF-style: chr9-95449070-G-A. GRCh37 (hg19) VCF-style: chr9-98211352-G-A.
Other names: c.3605C>T, p.Thr1202Ile (NM_001083602.3); c.3800C>T, p.Thr1267Ile (NM_001083603.3); c.3350C>T, p.Thr1117Ile (NM_001083604.3, NM_001083605.3, NM_001083606.3 and 1 more transcripts); c.3647C>T, p.Thr1216Ile (NM_001354918.2); short protein forms T1117I, T1202I, T1216I, T1267I, T1268I.
Identifiers: ClinVar variation 3427309 (VCV003427309.1).

ClinVar aggregate classification (germline): Uncertain significance (1 of 4 stars; one submission).

Conditions:
Hereditary cancer-predisposing syndrome. Also called: Neoplastic Syndromes, Hereditary; Tumor predisposition; Hereditary Cancer Syndrome; Hereditary neoplastic syndrome. Identifiers: Orphanet 140162, MedGen C0027672, MeSH D009386, MONDO:0015356.

Submission:

Ambry Genetics
Classification: Uncertain significance for Hereditary cancer-predisposing syndrome. Last evaluated: 2024-10-26. Review status: criteria provided, single submitter. Criteria: Ambry Variant Classification Scheme 2023. Collection method: clinical testing. Allele origin: germline.
Comment: The p.T1268I variant (also known as c.3803C>T), located in coding exon 22 of the PTCH1 gene, results from a C to T substitution at nucleotide position 3803. The threonine at codon 1268 is replaced by isoleucine, an amino acid with similar properties. This amino acid position is conserved. In addition, the in silico prediction for this alteration is inconclusive. Based on the available evidence, the clinical significance of this variant remains unclear.